The following continues an entry in ClinVar:

NM_000059.4(BRCA2):c.5238dup (p.Asn1747Ter)

Gene: BRCA2. ClinVar aggregate classification (germline): Pathogenic. Pathogenic (1).

Submissions 10 to 25 of 44:

Ambry Genetics
Classification: Pathogenic for Hereditary cancer-predisposing syndrome. Last evaluated: 2024-12-31. Review status: criteria provided, single submitter. Criteria: Ambry Variant Classification Scheme 2023. Collection method: clinical testing. Allele origin: germline. Not counted in ClinVar's aggregate classification.
Comment: The c.5238dupT pathogenic mutation (also known as p.N1747*), located in coding exon 10 of the BRCA2 gene, results from a duplication of T at nucleotide position 5238. This changes the amino acid from a asparagine to a stop codon within coding exon 10. This mutation has been described in multiple breast and/or ovarian cancer families, including individuals with pre-menopausal and triple negative breast cancer (Frank TS et al. J. Clin. Oncol. 1998 Jul;16(7):2417-25; Meindl A et al. Int. J. Cancer. 2002 Feb;97(4):472-80; Pohlreich P et al. Breast Cancer Res. 2005 Jul;7(5):R728-36; Palma MD et al. Cancer Res. 2008 Sep;68(17):7006-14; Pern F et al. PLoS One. 2012 Oct;7(10):e47993; Wong-Brown MW et al. Breast Cancer Res. Treat. 2015 Feb;150:71-80; Schroeder C et al. Breast Cancer Res. Treat. 2015 Jul;152:129-136). This variant is considered to be rare based on population cohorts in the Genome Aggregation Database (gnomAD). Of note, this alteration is also designated as 5466insT in published literature. In addition to the clinical data presented in the literature, this alteration is expected to result in loss of function by premature protein truncation or nonsense-mediated mRNA decay. As such, this alteration is interpreted as a disease-causing mutation.

Blueprint Genetics
Classification: Pathogenic for BRCA2-related disorders. Last evaluated: 2024-09-27. Review status: criteria provided, single submitter. Criteria: ACMG Guidelines, 2015. Collection method: clinical testing. Allele origin: germline. Affected: yes. Observed: 3 variant alleles. Not counted in ClinVar's aggregate classification.

Department of Human Genetics, Hannover Medical School
Classification: Pathogenic for Breast-ovarian cancer, familial, susceptibility to, 2. Last evaluated: 2024-08-01. Review status: criteria provided, single submitter. Criteria: ACMG Guidelines, 2015. Collection method: clinical testing. Allele origin: germline. Inheritance: Autosomal dominant inheritance. Affected: yes. Not counted in ClinVar's aggregate classification.

All of Us Research Program, National Institutes of Health
Classification: Pathogenic for BRCA2-related cancer predisposition. Last evaluated: 2024-07-29. Review status: criteria provided, single submitter. Criteria: ACMG Guidelines, 2015. Collection method: clinical testing. Allele origin: germline. Inheritance: Autosomal dominant inheritance. Observed: 5 variant alleles, 5 heterozygotes. Not counted in ClinVar's aggregate classification.
Comment: This variant inserts 1 nucleotide in exon 11 of the BRCA2 gene, creating a frameshift and premature translation stop signal. This variant is expected to result in an absent or non-functional protein product. This variant has been reported in at least eight individuals affected with breast or ovarian cancer and additional suspected hereditary breast and ovarian cancer families (PMID: 9667259, 11802209, 16168118, 16234499, 18703817, 23110154, 24504028, 24728189, 25186627, 25682074, 26681312). This variant has not been identified in the general population by the Genome Aggregation Database (gnomAD). Loss of BRCA2 function is a known mechanism of disease. Based on the available evidence, this variant is classified as Pathogenic.

This study involves interpretation of variants in research participants for the purpose of population health screening. Participant phenotype was not available at the time of variant classification. Additional details can be found in publication PMID: 35346344, PMCID: PMC8962531

Department of Clinical Genetics, Copenhagen University Hospital, Rigshospitalet
Classification: Pathogenic for Breast-ovarian cancer, familial, susceptibility to, 2. Last evaluated: 2024-05-27. Review status: criteria provided, single submitter. Criteria: ACMG Guidelines, 2015. Collection method: clinical testing. Allele origin: germline. Affected: yes. Not counted in ClinVar's aggregate classification.
Comment: PVS1; PM2_supporting; PM5_PTC_Strong

Institute of Human Genetics, University of Leipzig Medical Center
Classification: Pathogenic for Breast-ovarian cancer, familial, susceptibility to, 1. Last evaluated: 2024-02-14. Review status: criteria provided, single submitter. Criteria: ACMG Guidelines, 2015. Collection method: clinical testing. Allele origin: unknown. Inheritance: Autosomal dominant inheritance. Affected: yes. Not counted in ClinVar's aggregate classification.
Comment: Criteria applied: PVS1,PM5_STR,PM2_SUP

Color Diagnostics, LLC DBA Color Health
Classification: Pathogenic for Hereditary cancer-predisposing syndrome. Last evaluated: 2024-02-06. Review status: criteria provided, single submitter. Criteria: ACMG Guidelines, 2015. Collection method: clinical testing. Allele origin: germline. Not counted in ClinVar's aggregate classification.
Comment: This variant inserts 1 nucleotide in exon 11 of the BRCA2 gene, creating a frameshift and premature translation stop signal. This variant is expected to result in an absent or non-functional protein product. This variant has been reported in at least eight individuals affected with breast or ovarian cancer and additional suspected hereditary breast and ovarian cancer families (PMID: 9667259, 11802209, 16168118, 16234499, 18703817, 23110154, 24504028, 24728189, 25186627, 25682074, 26681312). This variant has not been identified in the general population by the Genome Aggregation Database (gnomAD). Loss of BRCA2 function is a known mechanism of disease. Based on the available evidence, this variant is classified as Pathogenic.

Baylor Genetics
Classification: Pathogenic for Familial cancer of breast. Last evaluated: 2023-07-24. Review status: criteria provided, single submitter. Criteria: ACMG Guidelines, 2015. Collection method: clinical testing. Allele origin: unknown. Not counted in ClinVar's aggregate classification.

Revvity Omics, Revvity
Classification: Pathogenic. Last evaluated: 2022-11-30. Review status: criteria provided, single submitter. Criteria: ACMG Guidelines, 2015. Collection method: clinical testing. Allele origin: germline. Not counted in ClinVar's aggregate classification.

Women's Health and Genetics/Laboratory Corporation of America, LabCorp
Classification: Pathogenic for Hereditary breast ovarian cancer syndrome. Last evaluated: 2022-06-20. Review status: criteria provided, single submitter. Criteria: LabCorp Variant Classification Summary - May 2015. Collection method: clinical testing. Allele origin: germline. Not counted in ClinVar's aggregate classification.
Comment: Variant summary: BRCA2 c.5238dupT (p.Asn1747X) results in a premature termination codon, predicted to cause a truncation of the encoded protein or absence of the protein due to nonsense mediated decay, which are commonly known mechanisms for disease. Truncations downstream of this position have been classified as pathogenic by our laboratory. The variant was absent in 252034 control chromosomes. c.5238dupT has been reported in the literature in multiple individuals affected with Hereditary Breast And Ovarian Cancer Syndrome (example, Meindl_2002, Nanda_2005, Palma_2008, Pern_2012, Pohlreich_2005, Song_2014). These data indicate that the variant is very likely to be associated with disease. To our knowledge, no experimental evidence demonstrating an impact on protein function has been reported. Multiple clinical diagnostic laboratories and an expert panel (ENIGMA) have submitted clinical-significance assessments for this variant to ClinVar after 2014 without evidence for independent evaluation. All laboratories classified the variant as pathogenic. Based on the evidence outlined above, the variant was classified as pathogenic.

Fulgent Genetics
Classification: Pathogenic for Familial cancer of breast; Medulloblastoma; Familial prostate cancer; Wilms tumor 1; Fanconi anemia complementation group D1; Breast-ovarian cancer, familial, susceptibility to, 2; Glioma susceptibility 3; Pancreatic cancer, susceptibility to, 2. Last evaluated: 2022-02-16. Review status: criteria provided, single submitter. Criteria: ACMG Guidelines, 2015. Collection method: clinical testing. Allele origin: unknown. Not counted in ClinVar's aggregate classification.

CHEO Genetics Diagnostic Laboratory, Children's Hospital of Eastern Ontario
Classification: Pathogenic for Breast and/or ovarian cancer. Last evaluated: 2021-11-17. Review status: criteria provided, single submitter. Criteria: ACMG Guidelines, 2015. Collection method: clinical testing. Allele origin: germline. Not counted in ClinVar's aggregate classification.

Institute for Clinical Genetics, University Hospital TU Dresden, University Hospital TU Dresden
Classification: Pathogenic. Last evaluated: 2021-11-03. Review status: criteria provided, single submitter. Criteria: ACMG Guidelines, 2015. Collection method: clinical testing. Allele origin: germline. Not counted in ClinVar's aggregate classification.

Quest Diagnostics Nichols Institute San Juan Capistrano
Classification: Pathogenic. Last evaluated: 2021-08-16. Review status: criteria provided, single submitter. Criteria: Quest Diagnostics criteria. Collection method: clinical testing. Allele origin: unknown. Not counted in ClinVar's aggregate classification.
Comment: This frameshift variant causes the premature termination of BRCA2 protein synthesis. It also has not been reported in large, multi-ethnic general populations. In addition, it has been described in individuals with breast cancer and ovarian cancer (PMID: 26681312 (2015), 25682074 (2015), 25186627 (2015), 24728189 (2014), 22430266 (2012)). Based on the available information, this variant is classified as pathogenic.

Institute of Medical Genetics and Applied Genomics, University Hospital Tübingen
Classification: Pathogenic. Last evaluated: 2021-06-17. Review status: criteria provided, single submitter. Criteria: ACMG Guidelines, 2015. Collection method: clinical testing. Allele origin: germline. Inheritance: Autosomal dominant inheritance. Affected: yes. Not counted in ClinVar's aggregate classification.

GeneDx
Classification: Pathogenic. Last evaluated: 2021-01-26. Review status: criteria provided, single submitter. Criteria: GeneDx Variant Classification Process June 2021. Collection method: clinical testing. Allele origin: germline. Affected: yes. Not counted in ClinVar's aggregate classification.
Comment: Nonsense variant predicted to result in protein truncation or nonsense mediated decay in a gene for which loss-of-function is a known mechanism of disease; Reported in association with hereditary breast and/or ovarian cancer (Frank 1998, Meindl 2002, Nanda 2005, Pohlreich 2005, van der Hout 2006, Song 2014, Wong-Brown 2015, Frey 2017); Truncating variants in this gene are considered pathogenic by a well-established clinical consortium and/or database; Not observed in large population cohorts (Lek 2016); This variant is associated with the following publications: (PMID: 24504028, 24728189, 26681312, 27856273, 28495237, 28324225, 32295079, 16168118, 18703817, 22430266, 16234499, 15131399, 16683254, 9667259, 23110154, 27157322, 25682074, 11802209, 28454591, 27930734, 26022348, 30702160, 32719484)